The following is an entry in ClinVar:

NM_032119.4(ADGRV1):c.12919G>A (p.Gly4307Arg)

Gene: ADGRV1 (adhesion G protein-coupled receptor V1; plus strand). Cytogenetic location: 5q14.3.
Variant type: single nucleotide variant.
Coding change: c.12919G>A on transcript NM_032119.4 (MANE Select); coding-DNA position 12919, G replaced by A.
Protein change: p.Gly4307Arg; replaces glycine 4307 with arginine.
Molecular consequence: missense variant. On other transcripts: non-coding transcript variant (1).
Genome position (GRCh38, 1-based): chr5:90,778,934, G>A. VCF-style: chr5-90778934-G-A. GRCh37 (hg19) VCF-style: chr5-90074751-G-A.
Other names: c.12919G>A (NM_032119.3); short protein forms G4307R.
Identifiers: ClinVar variation 1049303 (VCV001049303.8), dbSNP rs190628299, ClinGen allele CA3341380.
Genomic context (GRCh38, chr5:90,778,934, plus strand): 5'-ACAATCATCCGTTCCAGTGGAGATTTTGGCCATGTGCGACTCTGGTACAAGACGATGAGC[G>A]GGACAGCGGAAGCAGGCTTGGATTTTGTTCCTGCAGCAGGGGAGCTCCTCTTTGAAGCAG-3'
Protein context (NP_115495.3, residues 4297-4317): HVRLWYKTMS[Gly4307Arg]TAEAGLDFVP

ClinVar aggregate classification (germline): Conflicting classifications of pathogenicity. Review status: criteria provided, conflicting classifications (1 of 4 stars). 4 submissions from 4 submitters: Uncertain significance (2); Likely benign (1). 1 of the submissions does not count toward it. Last evaluated 2026-01-13.

Allele frequency attached by ClinVar (database versions not stated): TOPMed 0.00002; gnomAD 0.00011 and 0.00010; ExAC 0.00002; gnomAD exomes 0.00004 and 0.00002; 1000 Genomes Project 30x 0.00016; 1000 Genomes Project 0.00020.
gnomAD v4.1: 67 of 1,613,496 alleles (0.0042%); highest among the groups gnomAD compares: Non-Finnish European, 0.0054%; no homozygotes.

Submissions (4):

Labcorp Genetics (formerly Invitae), Labcorp
Classification: Likely benign. Last evaluated: 2026-01-13. Review status: criteria provided, single submitter. Criteria: Invitae Variant Classification Sherloc (09022015). Collection method: clinical testing. Allele origin: germline.

GeneDx
Classification: Uncertain significance. Last evaluated: 2024-06-27. Review status: criteria provided, single submitter. Criteria: GeneDx Variant Classification Process June 2021. Collection method: clinical testing. Allele origin: germline. Affected: yes.
Comment: In silico analysis supports that this missense variant has a deleterious effect on protein structure/function; Has not been previously published as pathogenic or benign to our knowledge

Blueprint Genetics
Classification: Uncertain significance. Last evaluated: 2021-10-20. Review status: criteria provided, single submitter. Criteria: ACMG Guidelines, 2015. Collection method: clinical testing. Allele origin: germline.

Department of Pathology and Laboratory Medicine, Sinai Health System
Classification: Uncertain significance. Review status: no assertion criteria provided. Collection method: clinical testing. Allele origin: unknown. Affected: yes. Study: The Canadian Open Genetics Repository (COGR). Not counted in ClinVar's aggregate classification.
Comment: The ADGRV1 p.G4307R variant was not identified in the literature nor was it identified in ClinVar. The variant was identified in dbSNP (ID: rs190628299) and in control databases in 24 of 280262 chromosomes at a frequency of 0.00008563 (Genome Aggregation Database March 6, 2019, v2.1.1). The variant was observed in the following populations: European (non-Finnish) in 23 of 128116 chromosomes (freq: 0.00018) and South Asian in 1 of 30600 chromosomes (freq: 0.000033), but was not observed in the African, Latino, Ashkenazi Jewish, East Asian, European (Finnish), or Other populations. The p.G4307 residue is not conserved in mammals and computational analyses (PolyPhen-2, SIFT, MutationTaster, Revel, FATHMM, MetaLR, DANN) do not suggest a high likelihood of impact to the protein; however, this information is not predictive enough to rule out pathogenicity. The variant occurs outside of the splicing consensus sequence and in silico or computational prediction software programs (Splice AI exome) do not predict a difference in splicing. In summary, based on the above information the clinical significance of this variant cannot be determined with certainty at this time. This variant is classified as a variant of uncertain significance.